The following is an entry in ClinVar:

NM_004793.4(LONP1):c.1879C>T (p.Pro627Ser)

Gene: LONP1 (lon peptidase 1, mitochondrial; minus strand). Cytogenetic location: 19p13.3.
Variant type: single nucleotide variant.
Coding change: c.1879C>T on transcript NM_004793.4 (MANE Select); coding-DNA position 1879, C replaced by T.
Protein change: p.Pro627Ser; replaces proline 627 with serine.
Molecular consequence: missense variant. On other transcripts: non-coding transcript variant (1).
Genome position (GRCh38, 1-based): chr19:5,696,266, G>A on the plus strand (C>T on the coding strand, the complement: LONP1 is on the minus strand). VCF-style: chr19-5696266-G-A. GRCh37 (hg19) VCF-style: chr19-5696277-G-A.
Other names: c.1687C>T, p.Pro563Ser (NM_001276479.2); c.1291C>T, p.Pro431Ser (NM_001276480.1); short protein forms P431S, P563S, P627S.
Identifiers: ClinVar variation 3613081 (VCV003613081.2).

ClinVar aggregate classification (germline): Uncertain significance (1 of 4 stars; one submission).

gnomAD v4.1: 12 of 1,613,320 alleles (0.00074%); highest among the groups gnomAD compares: East Asian, 0.011%; no homozygotes.

Submission:

Labcorp Genetics (formerly Invitae), Labcorp
Classification: Uncertain significance. Last evaluated: 2024-12-28. Review status: criteria provided, single submitter. Criteria: Invitae Variant Classification Sherloc (09022015). Collection method: clinical testing. Allele origin: germline.
Comment: This sequence change replaces proline, which is neutral and non-polar, with serine, which is neutral and polar, at codon 627 of the LONP1 protein (p.Pro627Ser). This variant is not present in population databases (gnomAD no frequency). This variant has not been reported in the literature in individuals affected with LONP1-related conditions. Invitae Evidence Modeling of protein sequence and biophysical properties (such as structural, functional, and spatial information, amino acid conservation, physicochemical variation, residue mobility, and thermodynamic stability) indicates that this missense variant is not expected to disrupt LONP1 protein function with a negative predictive value of 95%. In summary, the available evidence is currently insufficient to determine the role of this variant in disease. Therefore, it has been classified as a Variant of Uncertain Significance.